The following is an entry in ClinVar:

ClinVar aggregate classification (germline): Uncertain significance (1 of 4 stars; one submission).

Submission:

Labcorp Genetics (formerly Invitae), Labcorp
Classification: Uncertain significance. Last evaluated: 2024-04-03. Review status: criteria provided, single submitter. Criteria: Invitae Variant Classification Sherloc (09022015). Collection method: clinical testing. Allele origin: germline.
Comment: This sequence change replaces histidine, which is basic and polar, with asparagine, which is neutral and polar, at codon 20 of the APOA1 protein (p.His20Asn). This variant is not present in population databases (gnomAD no frequency). This variant has not been reported in the literature in individuals affected with APOA1-related conditions. Advanced modeling of protein sequence and biophysical properties (such as structural, functional, and spatial information, amino acid conservation, physicochemical variation, residue mobility, and thermodynamic stability) performed at Invitae indicates that this missense variant is expected to disrupt APOA1 protein function with a positive predictive value of 80%. In summary, the available evidence is currently insufficient to determine the role of this variant in disease. Therefore, it has been classified as a Variant of Uncertain Significance.

NM_000039.3(APOA1):c.58C>A (p.His20Asn)

Genes: APOA1 (apolipoprotein A1; minus strand), APOA1-AS (APOA1 antisense RNA; plus strand). Cytogenetic location: 11q23.3.
Variant type: single nucleotide variant.
Coding change: c.58C>A on transcript NM_000039.3 (MANE Select); coding-DNA position 58, C replaced by A.
Protein change: p.His20Asn; replaces histidine 20 with asparagine.
Molecular consequence: missense variant. On other transcripts: 5 prime UTR variant (1), intron variant (2).
Genome position (GRCh38, 1-based): chr11:116,837,143, G>T on the plus strand (C>A on the coding strand, the complement: APOA1 is on the minus strand). VCF-style: chr11-116837143-G-T. GRCh37 (hg19) VCF-style: chr11-116707859-G-T.
Other names: c.58C>A, p.His20Asn (NM_001318017.2, NM_001318018.2, NM_001425090.1 and 1 more transcripts); c.-270C>A (NM_001425092.1); c.-128+202C>A (NM_001425091.1); c.-240-30C>A (NM_001318021.2); short protein forms H20N.
Identifiers: ClinVar variation 3699333 (VCV003699333.2).